The following is an entry in ClinVar:

NM_001033044.4(GLUL):c.317_318delinsAG (p.Arg106Gln)

Gene: GLUL (glutamate-ammonia ligase; minus strand). Cytogenetic location: 1q25.3.
Variant type: Indel.
Coding change: c.317_318delinsAG on transcript NM_001033044.4 (MANE Select); coding-DNA positions 317 to 318, GA replaced by AG.
Protein change: p.Arg106Gln; replaces arginine 106 with glutamine.
Molecular consequence: missense variant.
Genome position (GRCh38, 1-based): chr1:182,387,141-182,387,142, TC replaced by CT on the plus strand (GA replaced by AG on the coding strand, the reverse complement: GLUL is on the minus strand). VCF-style: chr1-182387141-TC-CT. GRCh37 (hg19) VCF-style: chr1-182356276-TC-CT.
Other names: c.317_318delinsAG, p.Arg106Gln (NM_001033056.4, NM_002065.7); short protein forms R106Q.
Identifiers: ClinVar variation 2631042 (VCV002631042.2), dbSNP rs2525587078, ClinGen allele CA2695199927.

ClinVar aggregate classification (germline): Uncertain significance (1 of 4 stars; one submission).

Conditions:
GLUL-related disorder. Also called: GLUL-related condition.

Submission:

PreventionGenetics, part of Exact Sciences
Classification: Uncertain significance for GLUL-related condition. Last evaluated: 2026-01-30. Review status: criteria provided, single submitter. Criteria: ACMG Guidelines, 2015. Collection method: clinical testing. Allele origin: germline.
Comment: The GLUL c.317_318delinsAG variant is predicted to result in an in-frame deletion and insertion. To our knowledge, this variant has not been reported in the literature or in a large population database, indicating this variant is rare. At this time, the clinical significance of this variant is uncertain due to the absence of conclusive functional and genetic evidence.